The following is an entry in ClinVar:

ClinVar aggregate classification (germline): Uncertain significance (1 of 4 stars; one submission).

Submission:

Ambry Genetics
Classification: Uncertain significance. Last evaluated: 2025-11-20. Review status: criteria provided, single submitter. Criteria: Ambry Variant Classification Scheme 2023. Collection method: clinical testing. Allele origin: germline.
Comment: The p.E524G variant (also known as c.1571A>G), located in coding exon 2 of the CDK12 gene, results from an A to G substitution at nucleotide position 1571. The glutamic acid at codon 524 is replaced by glycine, an amino acid with similar properties. This amino acid position is conserved. In addition, this alteration is predicted to be tolerated by in silico analysis. Based on the available evidence, the clinical significance of this variant remains unclear.

NM_016507.4(CDK12):c.1571A>G (p.Glu524Gly)

Gene: CDK12 (cyclin dependent kinase 12; plus strand). Cytogenetic location: 17q12.
Variant type: single nucleotide variant.
Coding change: c.1571A>G on transcript NM_016507.4 (MANE Select); coding-DNA position 1571, A replaced by G.
Protein change: p.Glu524Gly; replaces glutamic acid 524 with glycine.
Molecular consequence: missense variant.
Genome position (GRCh38, 1-based): chr17:39,471,403, A>G. VCF-style: chr17-39471403-A-G. GRCh37 (hg19) VCF-style: chr17-37627656-A-G.
Other names: c.1571A>G, p.Glu524Gly (NM_015083.4); short protein forms E524G.
Identifiers: ClinVar variation 4651454 (VCV004651454.1).
Genomic context (GRCh38, chr17:39,471,403, plus strand): 5'-AACCCATAGCACTGAAAGAGGAGATTGTTACTCCAAAGGAGACAGAAACATCAGAAAAGG[A>G]GACCCCTCCACCTCTTCCCACAATTGCTTCTCCCCCACCCCCTCTACCAACTACTACCCC-3'
Protein context (NP_057591.2, residues 514-534): TPKETETSEK[Glu524Gly]TPPPLPTIAS